The following is an entry in ClinVar:

NM_007194.4(CHEK2):c.445-9_445-8delinsAA

Gene: CHEK2 (checkpoint kinase 2; minus strand). Cytogenetic location: 22q12.1.
Variant type: Indel.
Coding change: c.445-9_445-8delinsAA on transcript NM_007194.4 (MANE Select); 9 bases into the intron before coding-DNA position 445 through 8 bases into the intron before coding-DNA position 445, CT replaced by AA.
Molecular consequence: intron variant.
Genome position (GRCh38, 1-based): chr22:28,725,132-28,725,133, AG replaced by TT on the plus strand (CT replaced by AA on the coding strand, the reverse complement: CHEK2 is on the minus strand). VCF-style: chr22-28725132-AG-TT. GRCh37 (hg19) VCF-style: chr22-29121120-AG-TT.
Other names: c.-219-9_-219-8delinsAA (NM_001437942.1); c.444+110_444+111delinsAA (NM_001349956.3); c.445-9_445-8delinsAA (NM_145862.3); c.-333-9_-333-8delinsAA (NM_001257387.3); c.538-9_538-8delinsAA (NM_001438295.1, NM_001438293.1); c.574-9_574-8delinsAA (NM_001438294.1, NM_001005735.3).
Identifiers: ClinVar variation 4698350 (VCV004698350.1).

ClinVar aggregate classification (germline): Uncertain significance (1 of 4 stars; one submission).

Conditions:
Familial cancer of breast. Also called: BREAST CANCER, FAMILIAL; hereditary breast carcinoma; Hereditary breast cancer. Identifiers: Orphanet 227535, MedGen C0346153, MONDO:0016419, OMIM 114480. Disease mechanism: loss of function.

Submission:

Labcorp Genetics (formerly Invitae), Labcorp
Classification: Uncertain significance for Familial cancer of breast. Last evaluated: 2025-09-30. Review status: criteria provided, single submitter. Criteria: Invitae Variant Classification Sherloc (09022015). Collection method: clinical testing. Allele origin: germline.
Comment: This sequence change falls in intron 3 of the CHEK2 gene. It does not directly change the encoded amino acid sequence of the CHEK2 protein. Information on the frequency of this variant in the gnomAD database is not available, as this variant may be reported differently in the database. This variant has not been reported in the literature in individuals affected with CHEK2-related conditions. Experimental studies and prediction algorithms are not available or were not evaluated, and the effect of this variant on mRNA splicing is currently unknown. In summary, the available evidence is currently insufficient to determine the role of this variant in disease. Therefore, it has been classified as a Variant of Uncertain Significance.